The following is an entry in ClinVar:

NM_001903.5(CTNNA1):c.779A>G (p.Gln260Arg)

Gene: CTNNA1 (catenin alpha 1; plus strand). Cytogenetic location: 5q31.2.
Variant type: single nucleotide variant.
Coding change: c.779A>G on transcript NM_001903.5 (MANE Select); coding-DNA position 779, A replaced by G.
Protein change: p.Gln260Arg; replaces glutamine 260 with arginine.
Molecular consequence: missense variant.
Genome position (GRCh38, 1-based): chr5:138,824,720, A>G. VCF-style: chr5-138824720-A-G. GRCh37 (hg19) VCF-style: chr5-138160409-A-G.
Other names: c.779A>G, p.Gln260Arg (NM_001290307.3, NM_001323982.2, NM_001323983.1 and 3 more transcripts); c.470A>G, p.Gln157Arg (NM_001290309.3); c.410A>G, p.Gln137Arg (NM_001290310.3); short protein forms Q157R, Q260R, Q137R.
Identifiers: ClinVar variation 937553 (VCV000937553.13), dbSNP rs1043277546, ClinGen allele CA128229141.
Genomic context (GRCh38, chr5:138,824,720, plus strand): 5'-ACAGGGACCTGATATACAAGCAGCTGCAGCAGGCGGTCACAGGCATTTCCAATGCAGCCC[A>G]GGCCACTGCCTCAGACGATGCCTCACAGCACCAGGGTGGAGGAGGAGGAGAACTGGCATA-3'
Protein context (NP_001894.2, residues 250-270): QAVTGISNAA[Gln260Arg]ATASDDASQH

ClinVar aggregate classification (germline): Uncertain significance. Review status: criteria provided, multiple submitters, no conflicts (2 of 4 stars). 4 submissions from 4 submitters: Uncertain significance (4). Last evaluated 2026-01-04.

Conditions:
Hereditary cancer-predisposing syndrome. Also called: Tumor predisposition; Hereditary neoplastic syndrome; Hereditary Cancer Syndrome; Neoplastic Syndromes, Hereditary. Identifiers: Orphanet 140162, MedGen C0027672, MeSH D009386, MONDO:0015356.
Patterned macular dystrophy 2. Identifiers: Orphanet 99001, MedGen C1837029, MONDO:0012162, OMIM 608970.

Allele frequency attached by ClinVar (database versions not stated): gnomAD exomes below 0.00001; gnomAD 0.00001; TOPMed 0.00003.
gnomAD v4.1: 4 of 1,614,120 alleles (0.00025%); highest among the groups gnomAD compares: African/African-American, 0.0013%; no homozygotes.

Submissions (4):

Labcorp Genetics (formerly Invitae), Labcorp
Classification: Uncertain significance. Last evaluated: 2026-01-04. Review status: criteria provided, single submitter. Criteria: Invitae Variant Classification Sherloc (09022015). Collection method: clinical testing. Allele origin: germline.
Comment: This sequence change replaces glutamine, which is neutral and polar, with arginine, which is basic and polar, at codon 260 of the CTNNA1 protein (p.Gln260Arg). This variant is present in population databases (no rsID available, gnomAD 0.01%). This variant has not been reported in the literature in individuals affected with CTNNA1-related conditions. ClinVar contains an entry for this variant (Variation ID: 937553). Invitae Evidence Modeling of protein sequence and biophysical properties (such as structural, functional, and spatial information, amino acid conservation, physicochemical variation, residue mobility, and thermodynamic stability) indicates that this missense variant is not expected to disrupt CTNNA1 protein function with a negative predictive value of 80%. In summary, the available evidence is currently insufficient to determine the role of this variant in disease. Therefore, it has been classified as a Variant of Uncertain Significance.

Ambry Genetics
Classification: Uncertain significance for Hereditary cancer-predisposing syndrome. Last evaluated: 2024-06-05. Review status: criteria provided, single submitter. Criteria: Ambry Variant Classification Scheme 2023. Collection method: clinical testing. Allele origin: germline.
Comment: The p.Q260R variant (also known as c.779A>G), located in coding exon 5 of the CTNNA1 gene, results from an A to G substitution at nucleotide position 779. The glutamine at codon 260 is replaced by arginine, an amino acid with highly similar properties. This amino acid position is highly conserved in available vertebrate species. In addition, the in silico prediction for this alteration is inconclusive. The evidence for this gene-disease relationship is limited; therefore, the clinical significance of this alteration is unclear.

Fulgent Genetics
Classification: Uncertain significance for Patterned macular dystrophy 2. Last evaluated: 2024-05-23. Review status: criteria provided, single submitter. Criteria: ACMG Guidelines, 2015. Collection method: clinical testing. Allele origin: germline.

GeneDx
Classification: Uncertain significance. Last evaluated: 2024-02-07. Review status: criteria provided, single submitter. Criteria: GeneDx Variant Classification Process June 2021. Collection method: clinical testing. Allele origin: germline. Affected: yes.
Comment: Not observed at significant frequency in large population cohorts (gnomAD); In silico analysis supports that this missense variant has a deleterious effect on protein structure/function; Observed in an individual referred for hereditary cancer multi-gene panel testing (PMID: 32051609); This variant is associated with the following publications: (PMID: 32051609)